The following is an entry in ClinVar:

ClinVar aggregate classification (germline): Likely benign. Review status: criteria provided, multiple submitters, no conflicts (2 of 4 stars). 2 submissions from 2 submitters: Likely benign (2). Last evaluated 2025-01-01.

Conditions:
Primary dilated cardiomyopathy (DCM). Also called: Dilated Cardiomyopathy. Identifiers: Orphanet 217604, MedGen C0007193, MeSH D002311, MONDO:0005021, HP:0001644. Inheritance: Various modes of inheritance.
Charcot-Marie-Tooth disease type 2. Also called: Charcot-Marie-Tooth type 2. Identifiers: Orphanet 64746, MedGen C0270914, MONDO:0018993.

gnomAD v4.1: 1 of 1,614,184 alleles (0.000062%); highest among the groups gnomAD compares: Non-Finnish European, 0.000085%; no homozygotes.

Submissions (2):

Labcorp Genetics (formerly Invitae), Labcorp
Classification: Likely benign for Charcot-Marie-Tooth disease type 2. Last evaluated: 2025-01-01. Review status: criteria provided, single submitter. Criteria: Invitae Variant Classification Sherloc (09022015). Collection method: clinical testing. Allele origin: germline.

All of Us Research Program, National Institutes of Health
Classification: Likely benign for Primary dilated cardiomyopathy. Last evaluated: 2023-04-28. Review status: criteria provided, single submitter. Criteria: ACMG Guidelines, 2015. Collection method: clinical testing. Allele origin: germline. Inheritance: Autosomal dominant inheritance. Observed: 1 variant allele, 1 heterozygote.
Comment: This study involves interpretation of variants in research participants for the purpose of population health screening. Participant phenotype was not available at the time of variant classification. Additional details can be found in publication PMID: 35346344, PMCID: PMC8962531

NM_170707.4(LMNA):c.640-7C>G

Gene: LMNA (lamin A/C; plus strand). Cytogenetic location: 1q22.
Variant type: single nucleotide variant.
Coding change: c.640-7C>G on transcript NM_170707.4 (MANE Select); 7 bases into the intron before coding-DNA position 640, C replaced by G.
Molecular consequence: intron variant.
Genome position (GRCh38, 1-based): chr1:156,134,798, C>G. VCF-style: chr1-156134798-C-G. GRCh37 (hg19) VCF-style: chr1-156104589-C-G.
Other names: c.640-7C>G (NM_001406983.1, NM_001282625.2, NM_001406984.1 and 6 more transcripts); c.82-7C>G (NM_001407002.1, NM_001406993.1, NM_001407003.1 and 4 more transcripts); c.-25-7C>G (NM_001406999.1, NM_001407000.1, NM_001406994.1 and 1 more transcripts); c.397-7C>G (NM_001406986.1, NM_001406987.1, NM_001282624.2); c.304-7C>G (NM_001406989.1, NM_001257374.3, NM_001406998.1); c.343-7C>G (NM_001406988.1).
Identifiers: ClinVar variation 2741770 (VCV002741770.4), dbSNP rs2102880401, ClinGen allele CA2648348576.